The following is an entry in ClinVar:

ClinVar aggregate classification (germline): Uncertain significance (1 of 4 stars; one submission).

gnomAD v4.1: 1 of 1,614,060 alleles (0.000062%); highest among the groups gnomAD compares: Non-Finnish European, 0.000085%; no homozygotes.

Submission:

Women's Health and Genetics/Laboratory Corporation of America, LabCorp
Classification: Uncertain significance. Last evaluated: 2024-12-11. Review status: criteria provided, single submitter. Criteria: LabCorp Variant Classification Summary - May 2015. Collection method: clinical testing. Allele origin: germline.
Comment: Variant summary: CPS1 c.3176A>G (p.Gln1059Arg) results in a conservative amino acid change in the encoded protein sequence. Four of five in-silico tools predict a damaging effect of the variant on protein function. The variant was absent in 251252 control chromosomes (gnomAD). The available data on variant occurrences in the general population are insufficient to allow any conclusion about variant significance. c.3176A>G has been reported in the literature in an individual affected with Carbamoylphosphate Synthetase I Deficiency (Haberle_2011). These data do not allow any conclusion about variant significance. To our knowledge, no experimental evidence demonstrating an impact on protein function has been reported. The following publication has been ascertained in the context of this evaluation (PMID: 21120950). No submitters have cited clinical-significance assessments for this variant to ClinVar. Based on the evidence outlined above, the variant was classified as uncertain significance.

Literature cited by the submitters: PubMed 21120950.

NM_001875.5(CPS1):c.3176A>G (p.Gln1059Arg)

Gene: CPS1 (carbamoyl-phosphate synthase 1; plus strand). Cytogenetic location: 2q34.
Variant type: single nucleotide variant.
Coding change: c.3176A>G on transcript NM_001875.5 (MANE Select); coding-DNA position 3176, A replaced by G.
Protein change: p.Gln1059Arg; replaces glutamine 1059 with arginine.
Molecular consequence: missense variant. On other transcripts: non-coding transcript variant (2).
Genome position (GRCh38, 1-based): chr2:210,647,897, A>G. VCF-style: chr2-210647897-A-G. GRCh37 (hg19) VCF-style: chr2-211512621-A-G.
Other names: c.3176A>G, p.Gln1059Arg (NM_001122633.3, NM_001369257.1); c.3209A>G, p.Gln1070Arg (NM_001369256.1); short protein forms Q1059R, Q1070R.
Identifiers: ClinVar variation 3768117 (VCV003768117.1).